The following is an entry in ClinVar:

NM_001040108.2(MLH3):c.304G>A (p.Asp102Asn)

Gene: MLH3 (mutL homolog 3; minus strand). Cytogenetic location: 14q24.3.
Variant type: single nucleotide variant.
Coding change: c.304G>A on transcript NM_001040108.2 (MANE Select); coding-DNA position 304, G replaced by A.
Protein change: p.Asp102Asn; replaces aspartic acid 102 with asparagine.
Molecular consequence: missense variant.
Genome position (GRCh38, 1-based): chr14:75,049,352, C>T on the plus strand (G>A on the coding strand, the complement: MLH3 is on the minus strand). VCF-style: chr14-75049352-C-T. GRCh37 (hg19) VCF-style: chr14-75516055-C-T.
Other names: c.304G>A, p.Asp102Asn (NM_014381.3); short protein forms D102N.
Identifiers: ClinVar variation 1799249 (VCV001799249.6), dbSNP rs772176971, ClinGen allele CA7276056.

ClinVar aggregate classification (germline): Uncertain significance. Review status: criteria provided, multiple submitters, no conflicts (2 of 4 stars). 2 submissions from 2 submitters: Uncertain significance (2). Last evaluated 2025-07-28.

Conditions:
Colorectal cancer, hereditary nonpolyposis, type 7. Identifiers: Orphanet 144, MedGen C1858380, MONDO:0013725, OMIM 614385.

Allele frequency attached by ClinVar (database versions not stated): ExAC 0.00001.

Submissions (2):

Ambry Genetics
Classification: Uncertain significance. Last evaluated: 2025-07-28. Review status: criteria provided, single submitter. Criteria: Ambry Variant Classification Scheme 2023. Collection method: clinical testing. Allele origin: germline.
Comment: The p.D102N variant (also known as c.304G>A), located in coding exon 1 of the MLH3 gene, results from a G to A substitution at nucleotide position 304. The aspartic acid at codon 102 is replaced by asparagine, an amino acid with highly similar properties. This amino acid position is conserved. In addition, this alteration is predicted to be tolerated by in silico analysis. Since supporting evidence is limited at this time, the clinical significance of this alteration remains unclear.

Labcorp Genetics (formerly Invitae), Labcorp
Classification: Uncertain significance for Colorectal cancer, hereditary nonpolyposis, type 7. Last evaluated: 2023-03-19. Review status: criteria provided, single submitter. Criteria: Invitae Variant Classification Sherloc (09022015). Collection method: clinical testing. Allele origin: germline.
Comment: In summary, the available evidence is currently insufficient to determine the role of this variant in disease. Therefore, it has been classified as a Variant of Uncertain Significance. This sequence change replaces aspartic acid, which is acidic and polar, with asparagine, which is neutral and polar, at codon 102 of the MLH3 protein (p.Asp102Asn). This variant is present in population databases (rs772176971, gnomAD 0.0009%). This variant has not been reported in the literature in individuals affected with MLH3-related conditions. ClinVar contains an entry for this variant (Variation ID: 1799249). Algorithms developed to predict the effect of missense changes on protein structure and function output the following: SIFT: "Not Available"; PolyPhen-2: "Benign"; Align-GVGD: "Not Available". The asparagine amino acid residue is found in multiple mammalian species, which suggests that this missense change does not adversely affect protein function.